The following is an entry in ClinVar:

ClinVar aggregate classification (germline): Uncertain significance (1 of 4 stars; one submission).

Conditions:
Hereditary cancer-predisposing syndrome. Also called: Hereditary neoplastic syndrome; Neoplastic Syndromes, Hereditary; Tumor predisposition; Hereditary Cancer Syndrome. Identifiers: Orphanet 140162, MedGen C0027672, MeSH D009386, MONDO:0015356.

Submission:

Ambry Genetics
Classification: Uncertain significance for Hereditary cancer-predisposing syndrome. Last evaluated: 2025-08-27. Review status: criteria provided, single submitter. Criteria: Ambry Variant Classification Scheme 2023. Collection method: clinical testing. Allele origin: germline.
Comment: The p.L318F variant (also known as c.954A>T), located in coding exon 11 of the MUTYH gene, results from an A to T substitution at nucleotide position 954. The leucine at codon 318 is replaced by phenylalanine, an amino acid with highly similar properties. This amino acid position is conserved. In addition, this alteration is predicted to be tolerated by in silico analysis. Based on the available evidence, the clinical significance of this variant remains unclear.

NM_001048174.2(MUTYH):c.870A>T (p.Leu290Phe)

Gene: MUTYH (mutY DNA glycosylase; minus strand). Cytogenetic location: 1p34.1.
Variant type: single nucleotide variant.
Coding change: c.870A>T on transcript NM_001048174.2 (MANE Select); coding-DNA position 870, A replaced by T.
Protein change: p.Leu290Phe; replaces leucine 290 with phenylalanine.
Molecular consequence: missense variant. On other transcripts: non-coding transcript variant (7).
Genome position (GRCh38, 1-based): chr1:45,332,066, T>A on the plus strand (A>T on the coding strand, the complement: MUTYH is on the minus strand). VCF-style: chr1-45332066-T-A. GRCh37 (hg19) VCF-style: chr1-45797738-T-A.
Other names: c.870A>T, p.Leu290Phe (NM_001048171.2, NM_001048173.2, NM_001407070.1 and 6 more transcripts); c.873A>T, p.Leu291Phe (NM_001048172.2, NM_001407071.1, NM_001407078.1 and 1 more transcripts); c.786A>T, p.Leu262Phe (NM_001407075.1); c.903A>T, p.Leu301Phe (NM_001407077.1, NM_001293191.2, NM_001407069.1); c.831A>T, p.Leu277Phe (NM_001407079.1); c.828A>T, p.Leu276Phe (NM_001407080.1); c.954A>T, p.Leu318Phe (NM_001128425.2); c.915A>T, p.Leu305Phe (NM_001293190.2); and 5 more; short protein forms L175F, L198F, L297F, L301F, L262F, L276F, L318F, L290F.
Identifiers: ClinVar variation 4113947 (VCV004113947.1).